The following is an entry in ClinVar:

NM_003119.4(SPG7):c.1249C>T (p.Arg417Cys)

Gene: SPG7 (SPG7 matrix AAA peptidase subunit, paraplegin; plus strand). Cytogenetic location: 16q24.3.
Variant type: single nucleotide variant.
Coding change: c.1249C>T on transcript NM_003119.4 (MANE Select); coding-DNA position 1249, C replaced by T.
Protein change: p.Arg417Cys; replaces arginine 417 with cysteine.
Molecular consequence: missense variant.
Genome position (GRCh38, 1-based): chr16:89,532,561, C>T. VCF-style: chr16-89532561-C-T. GRCh37 (hg19) VCF-style: chr16-89598969-C-T.
Other names: c.1249C>T, p.Arg417Cys (NM_001363850.1, NM_199367.3); short protein forms R417C.
Identifiers: ClinVar variation 2576623 (VCV002576623.2), dbSNP rs773412289, ClinGen allele CA8244010.
Genomic context (GRCh38, chr16:89,532,561, plus strand): 5'-GCCCGAGCCCGGGCCCCCTGCATCGTCTACATCGATGAGATCGACGCGGTGGGCAAGAAG[C>T]GCTCCACCACCATGTCCGGCTTCTCCAACACGGAGGAGGAGCAGACGCTCAACCAGCTTC-3'
Protein context (NP_003110.1, residues 407-427): IDEIDAVGKK[Arg417Cys]STTMSGFSNT

ClinVar aggregate classification (germline): Uncertain significance (1 of 4 stars; one submission).

Conditions:
Hereditary spastic paraplegia 7 (SPG7). Also called: SPG7-related neurologic disorder; Autosomal recessive spastic paraplegia type 7; SPASTIC PARAPLEGIA 7, AUTOSOMAL RECESSIVE, WITH OR WITHOUT CEREBELLAR ATAXIA; Spastic paraplegia 7; Hereditary spastic paraplegia Paraplegin type. Identifiers: Orphanet 99013, MedGen C1846564, MONDO:0011803, OMIM 607259.

Allele frequency attached by ClinVar (database versions not stated): ExAC 0.00001; gnomAD 0.00001.
gnomAD v4.1: 3 of 1,613,624 alleles (0.00019%); highest among the groups gnomAD compares: Admixed American, 0.0017%; no homozygotes.

Submission:

Institute of Human Genetics, University of Leipzig Medical Center
Classification: Uncertain significance for Hereditary spastic paraplegia 7. Last evaluated: 2023-06-13. Review status: criteria provided, single submitter. Criteria: ACMG Guidelines, 2015. Collection method: clinical testing. Allele origin: unknown. Inheritance: Autosomal dominant inheritance. Affected: yes.
Comment: Criteria applied: PM2_SUP,PP3